The following is an entry in ClinVar:

NM_006031.6(PCNT):c.6290T>C (p.Leu2097Pro)

Gene: PCNT (pericentrin; plus strand). Cytogenetic location: 21q22.3.
Variant type: single nucleotide variant.
Coding change: c.6290T>C on transcript NM_006031.6 (MANE Select); coding-DNA position 6290, T replaced by C.
Protein change: p.Leu2097Pro; replaces leucine 2097 with proline.
Molecular consequence: missense variant.
Genome position (GRCh38, 1-based): chr21:46,416,208, T>C. VCF-style: chr21-46416208-T-C. GRCh37 (hg19) VCF-style: chr21-47836122-T-C.
Other names: p.L2097P:CTG>CCG; c.5936T>C, p.Leu1979Pro (NM_001315529.2); short protein forms L2097P, L1979P.
Identifiers: ClinVar variation 138621 (VCV000138621.17), dbSNP rs2839245, ClinGen allele CA173041.
Genomic context (GRCh38, chr21:46,416,208, plus strand): 5'-TGAACCGTTTGCTGTATTCCATGACCTTCCAGAATGTGGATGCTGCCGACACCAAATCTC[T>C]GTGGCCCATGGCCTCAGCACACCTGTTGGAGAGCAGCTGGAGTGATGATTCCTGTGACGG-3'
Protein context (NP_006022.3, residues 2087-2107): QNVDAADTKS[Leu2097Pro]WPMASAHLLE

ClinVar aggregate classification (germline): Benign. Review status: criteria provided, multiple submitters, no conflicts (2 of 4 stars). 5 submissions from 5 submitters: Benign (5). Last evaluated 2026-02-04.

Conditions:
Microcephalic osteodysplastic primordial dwarfism type II (MOPD2). Also called: Microcephalic osteodysplastic primordial dwarfism with tooth abnormalities; OSTEODYSPLASTIC PRIMORDIAL DWARFISM, TYPE II; MOPD II. Identifiers: Orphanet 2637, MedGen C0432246, MONDO:0008872, OMIM 210720.

Allele frequency attached by ClinVar (database versions not stated): gnomAD exomes 0.09581; gnomAD 0.17791 and 0.18635; 1000 Genomes Project 0.17812; 1000 Genomes Project 30x 0.18520; TOPMed 0.18666; ESP Exome Variant Server 0.19722.

Submissions (5):

Labcorp Genetics (formerly Invitae), Labcorp
Classification: Benign. Last evaluated: 2026-02-04. Review status: criteria provided, single submitter. Criteria: Invitae Variant Classification Sherloc (09022015). Collection method: clinical testing. Allele origin: germline.

Illumina Laboratory Services, Illumina
Classification: Benign for Microcephalic osteodysplastic primordial dwarfism type II. Last evaluated: 2018-01-13. Review status: criteria provided, single submitter. Criteria: ICSL Variant Classification Criteria 13 December 2019. Collection method: clinical testing. Allele origin: germline.
Comment: This variant was observed in the ICSL laboratory as part of a predisposition screen in an ostensibly healthy population. It had not been previously curated by ICSL or reported in the Human Gene Mutation Database (HGMD: prior to June 1st, 2018), and was therefore a candidate for classification through an automated scoring system. Utilizing variant allele frequency, disease prevalence and penetrance estimates, and inheritance mode, an automated score was calculated to assess if this variant is too frequent to cause the disease. Based on the score and internal cut-off values, a variant classified as benign is not then subjected to further curation. The score for this variant resulted in a classification of benign for this disease.

GeneDx
Classification: Benign. Last evaluated: 2014-02-26. Review status: criteria provided, single submitter. Criteria: GeneDx Variant Classification (06012015). Collection method: clinical testing. Allele origin: germline. Affected: yes.
Comment: This variant is considered likely benign or benign based on one or more of the following criteria: it is a conservative change, it occurs at a poorly conserved position in the protein, it is predicted to be benign by multiple in silico algorithms, and/or has population frequency not consistent with disease.

Genetic Services Laboratory, University of Chicago
Classification: Benign. Last evaluated: 2013-02-08. Review status: criteria provided, single submitter. Criteria: ACMG Guidelines, 2007. Collection method: clinical testing. Allele origin: germline. Inheritance: Autosomal recessive inheritance.

Breakthrough Genomics
Classification: Benign. Review status: criteria provided, single submitter. Criteria: ACMG Guidelines, 2015. Collection method: not provided. Allele origin: germline. Inheritance: Autosomal recessive inheritance. Affected: yes.